The following is an entry in ClinVar:

NM_001035.3(RYR2):c.12767T>G (p.Met4256Arg)

Genes: RYR2 (ryanodine receptor 2; plus strand), LOC126806068 (BRD4-independent group 4 enhancer GRCh37_chr1:237947411-237948610; plus strand). Cytogenetic location: 1q43.
Variant type: single nucleotide variant.
Coding change: c.12767T>G on transcript NM_001035.3 (MANE Select); coding-DNA position 12767, T replaced by G.
Protein change: p.Met4256Arg; replaces methionine 4256 with arginine.
Molecular consequence: missense variant.
Genome position (GRCh38, 1-based): chr1:237,784,479, T>G. VCF-style: chr1-237784479-T-G. GRCh37 (hg19) VCF-style: chr1-237947779-T-G.
Other names: short protein forms M4256R.
Identifiers: ClinVar variation 1172151 (VCV001172151.2), dbSNP rs530277653, ClinGen allele CA345414099.
Genomic context (GRCh38, chr1:237,784,479, plus strand): 5'-TCTCCATTCTGACGGTCAGGTCGGCCCTGTTTGCGCTCAGGTACAATATCTTGACCCTTA[T>G]GCGAATGCTCAGTCTGAAGAGCCTGAAGAAGCAGATGAAAAAAGTAAAAAAGATGACCGT-3'
Protein context (NP_001026.2, residues 4246-4266): FALRYNILTL[Met4256Arg]RMLSLKSLKK

ClinVar aggregate classification (germline): Uncertain significance (1 of 4 stars; one submission).

Conditions:
Cardiomyopathy (CMYO). Also called: Cardiomyopathies. Identifiers: Orphanet 167848, MedGen C0878544, MONDO:0004994, HP:0001638. Inheritance: Various modes of inheritance.

Submission:

Color Diagnostics, LLC DBA Color Health
Classification: Uncertain significance for Cardiomyopathy. Last evaluated: 2020-12-22. Review status: criteria provided, single submitter. Criteria: ACMG Guidelines, 2015. Collection method: clinical testing. Allele origin: germline.
Comment: This missense variant replaces methionine with arginine at codon 4256 of the RYR2 protein. Computational prediction suggests that this variant may not impact protein structure and function (internally defined REVEL score threshold <= 0.5, PMID: 27666373). To our knowledge, functional studies have not been reported for this variant. This variant has not been reported in individuals affected with cardiovascular disorders in the literature. This variant has not been identified in the general population by the Genome Aggregation Database (gnomAD). The available evidence is insufficient to determine the role of this variant in disease conclusively. Therefore, this variant is classified as a Variant of Uncertain Significance.